The following is an entry in ClinVar:

ClinVar aggregate classification (germline): Conflicting classifications of pathogenicity. Review status: criteria provided, conflicting classifications (1 of 4 stars). 3 submissions from 3 submitters: Uncertain significance (1); Benign (1); Likely benign (1). Last evaluated 2025-12-15.

Conditions:
Collagen 6-related myopathy. Identifiers: MedGen CN117976, MONDO:0100225.
Bethlem myopathy 1A. Also called: MYOPATHY, BENIGN CONGENITAL, WITH CONTRACTURES; Bethlem myopathy 1; Bethlem Muscular Dystrophy. Identifiers: Orphanet 610, MedGen CN029274, MONDO:0024530, OMIM 158810.

Allele frequency attached by ClinVar (database versions not stated): gnomAD exomes 0.00008 and 0.00023; gnomAD 0.00010 and 0.00013; TOPMed 0.00012; ExAC 0.00018; 1000 Genomes Project 30x 0.00078; 1000 Genomes Project 0.00100.
gnomAD v4.1: 143 of 1,614,222 alleles (0.0089%); highest among the groups gnomAD compares: East Asian, 0.18%; 1 homozygote.

Submissions (3):

Labcorp Genetics (formerly Invitae), Labcorp
Classification: Likely benign for Bethlem myopathy 1A. Last evaluated: 2025-12-15. Review status: criteria provided, single submitter. Criteria: Invitae Variant Classification Sherloc (09022015). Collection method: clinical testing. Allele origin: germline.

Illumina Laboratory Services, Illumina
Classification: Benign for Collagen VI-related myopathy. Last evaluated: 2018-01-13. Review status: criteria provided, single submitter. Criteria: ICSL Variant Classification Criteria 13 December 2019. Collection method: clinical testing. Allele origin: germline.
Comment: This variant was observed in the ICSL laboratory as part of a predisposition screen in an ostensibly healthy population. It had not been previously curated by ICSL or reported in the Human Gene Mutation Database (HGMD: prior to June 1st, 2018), and was therefore a candidate for classification through an automated scoring system. Utilizing variant allele frequency, disease prevalence and penetrance estimates, and inheritance mode, an automated score was calculated to assess if this variant is too frequent to cause the disease. Based on the score and internal cut-off values, a variant classified as benign is not then subjected to further curation. The score for this variant resulted in a classification of benign for this disease.

Eurofins Ntd Llc (ga)
Classification: Uncertain significance. Last evaluated: 2017-11-17. Review status: criteria provided, single submitter. Criteria: EGL Classification Definitions 2015. Collection method: clinical testing. Allele origin: germline. Observed: 1 variant allele, 1 heterozygote.

NM_004369.4(COL6A3):c.1562C>T (p.Ser521Leu)

Gene: COL6A3 (collagen type VI alpha 3 chain; minus strand). Cytogenetic location: 2q37.3.
Variant type: single nucleotide variant.
Coding change: c.1562C>T on transcript NM_004369.4 (MANE Select); coding-DNA position 1562, C replaced by T.
Protein change: p.Ser521Leu; replaces serine 521 with leucine.
Molecular consequence: missense variant.
Genome position (GRCh38, 1-based): chr2:237,381,250, G>A on the plus strand (C>T on the coding strand, the complement: COL6A3 is on the minus strand). VCF-style: chr2-237381250-G-A. GRCh37 (hg19) VCF-style: chr2-238289893-G-A.
Other names: c.341C>T, p.Ser114Leu (NM_057164.5, NM_057166.5); c.944C>T, p.Ser315Leu (NM_057165.5, NM_057167.4); short protein forms S521L, S315L, S114L.
Identifiers: ClinVar variation 335140 (VCV000335140.19), dbSNP rs115881121, ClinGen allele CA2189596.